The following is an entry in ClinVar:

ClinVar aggregate classification (germline): Uncertain significance. Review status: criteria provided, multiple submitters, no conflicts (2 of 4 stars). 2 submissions from 2 submitters: Uncertain significance (2). Last evaluated 2025-09-15.

gnomAD v4.1: 2 of 1,612,748 alleles (0.00012%); highest among the groups gnomAD compares: Non-Finnish European, 0.00017%; no homozygotes.

Submissions (2):

Labcorp Genetics (formerly Invitae), Labcorp
Classification: Uncertain significance. Last evaluated: 2025-09-15. Review status: criteria provided, single submitter. Criteria: Invitae Variant Classification Sherloc (09022015). Collection method: clinical testing. Allele origin: germline.
Comment: This sequence change replaces histidine, which is basic and polar, with arginine, which is basic and polar, at codon 127 of the DEAF1 protein (p.His127Arg). This variant is not present in population databases (gnomAD no frequency). This variant has not been reported in the literature in individuals affected with DEAF1-related conditions. ClinVar contains an entry for this variant (Variation ID: 1335057). Invitae Evidence Modeling of protein sequence and biophysical properties (such as structural, functional, and spatial information, amino acid conservation, physicochemical variation, residue mobility, and thermodynamic stability) indicates that this missense variant is expected to disrupt DEAF1 protein function with a positive predictive value of 80%. In summary, the available evidence is currently insufficient to determine the role of this variant in disease. Therefore, it has been classified as a Variant of Uncertain Significance.

CeGaT Center for Human Genetics Tuebingen
Classification: Uncertain significance. Last evaluated: 2021-10-01. Review status: criteria provided, single submitter. Criteria: CeGaT Center For Human Genetics Tuebingen Variant Classification Criteria Version 2. Collection method: clinical testing. Allele origin: germline. Affected: yes. Observed: 1 variant allele.

NM_021008.4(DEAF1):c.380A>G (p.His127Arg)

Gene: DEAF1 (DEAF1 transcription factor; minus strand). Cytogenetic location: 11p15.5.
Variant type: single nucleotide variant.
Coding change: c.380A>G on transcript NM_021008.4 (MANE Select); coding-DNA position 380, A replaced by G.
Protein change: p.His127Arg; replaces histidine 127 with arginine.
Molecular consequence: missense variant. On other transcripts: 5 prime UTR variant (1).
Genome position (GRCh38, 1-based): chr11:691,508, T>C on the plus strand (A>G on the coding strand, the complement: DEAF1 is on the minus strand). VCF-style: chr11-691508-T-C. GRCh37 (hg19) VCF-style: chr11-691508-T-C.
Other names: c.380A>G, p.His127Arg (NM_001293634.2); c.-347A>G (NM_001367390.1); short protein forms H127R.
Identifiers: ClinVar variation 1335057 (VCV001335057.39), dbSNP rs757482202, ClinGen allele CA216909281.